The following is an entry in ClinVar:

ClinVar aggregate classification (germline): Uncertain significance (1 of 4 stars; one submission).

Submission:

GeneDx
Classification: Uncertain significance. Last evaluated: 2025-05-08. Review status: criteria provided, single submitter. Criteria: GeneDx Variant Classification Process June 2021. Collection method: clinical testing. Allele origin: germline. Affected: yes.
Comment: Not observed at significant frequency in large population cohorts (gnomAD); In silico analysis supports that this missense variant has a deleterious effect on protein structure/function; Has not been previously published as pathogenic or benign to our knowledge

NM_018896.5(CACNA1G):c.3668A>G (p.Asp1223Gly)

Gene: CACNA1G (calcium voltage-gated channel subunit alpha1 G; plus strand). Cytogenetic location: 17q21.33.
Variant type: single nucleotide variant.
Coding change: c.3668A>G on transcript NM_018896.5 (MANE Select); coding-DNA position 3668, A replaced by G.
Protein change: p.Asp1223Gly; replaces aspartic acid 1223 with glycine.
Molecular consequence: missense variant. On other transcripts: non-coding transcript variant (5).
Genome position (GRCh38, 1-based): chr17:50,599,837, A>G. VCF-style: chr17-50599837-A-G. GRCh37 (hg19) VCF-style: chr17-48677198-A-G.
Other names: c.3668A>G, p.Asp1223Gly (NM_001256324.2, NM_001256325.2, NM_001256326.2 and 16 more transcripts); c.3599A>G, p.Asp1200Gly (NM_001256332.2, NM_198376.3, NM_198379.3 and 5 more transcripts); short protein forms D1200G, D1223G.
Identifiers: ClinVar variation 1309940 (VCV001309940.3), dbSNP rs2145757112, ClinGen allele CA400254083.
Genomic context (GRCh38, chr17:50,599,837, plus strand): 5'-CGGCTTCAGGGCGCCTGGCCCGGGCCCTGCGGCCTGATGACCCCCCACTGGATGGGGATG[A>G]CGCCGATGACGAGGGCAACCTGGTGAGGCCCCTGTGGGCACAGTGACCCCTCACCCCTGA-3'
Protein context (NP_061496.2, residues 1213-1233): RPDDPPLDGD[Asp1223Gly]ADDEGNLSKG